The following is an entry in ClinVar:

ClinVar aggregate classification (germline): Uncertain significance (1 of 4 stars; one submission).

Conditions:
Cardiovascular phenotype. Identifiers: MedGen CN230736.

Submission:

Ambry Genetics
Classification: Uncertain significance for Cardiovascular phenotype. Last evaluated: 2020-12-22. Review status: criteria provided, single submitter. Criteria: Ambry Variant Classification Scheme 2023. Collection method: clinical testing. Allele origin: germline.
Comment: The p.V359L variant (also known as c.1075G>T), located in coding exon 2 of the HCN4 gene, results from a G to T substitution at nucleotide position 1075. The valine at codon 359 is replaced by leucine, an amino acid with highly similar properties. This missense alteration is located in a region that has a low rate of benign missense variation (Lek M et al. Nature. 2016 Aug 18;536(7616):285-91; DECIPHER: Database of Chromosomal Imbalance and Phenotype in Humans using Ensembl Resources. Firth H.V. et al. 2009. Am.J.Hum.Genet. 84, 524-533 (DOI)). This amino acid position is highly conserved in available vertebrate species. In addition, this alteration is predicted to be deleterious by in silico analysis. Since supporting evidence is limited at this time, the clinical significance of this alteration remains unclear.

NM_005477.3(HCN4):c.1075G>T (p.Val359Leu)

Genes: HCN4 (hyperpolarization activated cyclic nucleotide gated potassium channel 4; minus strand), LOC105370890 (uncharacterized LOC105370890; plus strand), LOC126862173 (CDK7 strongly-dependent group 2 enhancer GRCh37_chr15:73635762-73636961; plus strand). Cytogenetic location: 15q24.1.
Variant type: single nucleotide variant.
Coding change: c.1075G>T on transcript NM_005477.3 (MANE Select); coding-DNA position 1075, G replaced by T.
Protein change: p.Val359Leu; replaces valine 359 with leucine.
Molecular consequence: missense variant.
Genome position (GRCh38, 1-based): chr15:73,343,519, C>A on the plus strand (G>T on the coding strand, the complement: HCN4 is on the minus strand). VCF-style: chr15-73343519-C-A. GRCh37 (hg19) VCF-style: chr15-73635860-C-A.
Other names: short protein forms V359L.
Identifiers: ClinVar variation 1784745 (VCV001784745.2), dbSNP rs2549074763, ClinGen allele CA393094902.